The following is an entry in ClinVar:

NM_002277.3(KRT31):c.288G>A (p.Glu96=)

Gene: KRT31 (keratin 31). Cytogenetic location: 17q21.2.
Variant type: single nucleotide variant.
Coding change: c.288G>A on transcript NM_002277.3 (MANE Select); coding-DNA position 288, G replaced by A.
Protein change: p.Glu96=; no amino-acid change (glutamic acid 96 retained).
Molecular consequence: synonymous variant.
Genome position (GRCh38, 1-based): chr17:41,397,252, C>T on the plus strand (G>A on the coding strand, the complement: KRT31 is on the minus strand). VCF-style: chr17-41397252-C-T. GRCh37 (hg19) VCF-style: chr17-39553504-C-T.
Identifiers: ClinVar variation 2647766 (VCV002647766.24), dbSNP rs149521729, ClinGen allele CA8557820.

ClinVar aggregate classification (germline): Likely benign (1 of 4 stars; one submission).

Allele frequency attached by ClinVar (database versions not stated): ESP Exome Variant Server 0.00085; TOPMed 0.00098; gnomAD 0.00113; 1000 Genomes Project 0.00160; 1000 Genomes Project 30x 0.00172.
gnomAD v4.1: 2,368 of 1,614,228 alleles (0.15%); highest among the groups gnomAD compares: Middle Eastern, 1.3%; 18 homozygotes.

Submission:

CeGaT Center for Human Genetics Tuebingen
Classification: Likely benign. Last evaluated: 2022-05-01. Review status: criteria provided, single submitter. Criteria: CeGaT Center For Human Genetics Tuebingen Variant Classification Criteria Version 2. Collection method: clinical testing. Allele origin: germline. Affected: yes. Observed: 1 variant allele.
Comment: KRT31: BP4, BP7